The following is an entry in ClinVar:

ClinVar aggregate classification (germline): Pathogenic/Likely pathogenic. Review status: criteria provided, multiple submitters, no conflicts (2 of 4 stars). 2 submissions from 2 submitters: Pathogenic (1); Likely pathogenic (1). Last evaluated 2022-06-14.

Conditions:
Joubert syndrome 28 (JBTS28). Identifiers: MedGen C4310705, MONDO:0014928, OMIM 617121.
Meckel-Gruber syndrome. Also called: DYSENCEPHALIA SPLANCHNOCYSTICA; GRUBER SYNDROME; Dysencephalia splachnocystica. Identifiers: Orphanet 564, MedGen C0265215, MONDO:0018921.
Joubert syndrome. Also called: CEREBELLOPARENCHYMAL DISORDER IV; JOUBERT-BOLTSHAUSER SYNDROME; Familial aplasia of the vermis. Identifiers: Orphanet 475, MedGen C5979921, MONDO:0018772.

Submissions (2):

Labcorp Genetics (formerly Invitae), Labcorp
Classification: Pathogenic for Joubert syndrome; Meckel-Gruber syndrome. Last evaluated: 2022-06-14. Review status: criteria provided, single submitter. Criteria: Invitae Variant Classification Sherloc (09022015). Collection method: clinical testing. Allele origin: germline.
Comment: For these reasons, this variant has been classified as Pathogenic. This variant has not been reported in the literature in individuals affected with MKS1-related conditions. This variant is not present in population databases (gnomAD no frequency). This sequence change creates a premature translational stop signal (p.Gln495*) in the MKS1 gene. It is expected to result in an absent or disrupted protein product. Loss-of-function variants in MKS1 are known to be pathogenic (PMID: 19466712, 24886560, 26490104).

3billion
Classification: Likely pathogenic for Joubert syndrome 28. Last evaluated: 2022-05-22. Review status: criteria provided, single submitter. Criteria: ACMG Guidelines, 2015. Collection method: clinical testing. Allele origin: germline. Affected: yes. Observed: 1 heterozygote.
Comment: The variant is not observed in the gnomAD v2.1.1 dataset. Stop-gained (nonsense): predicted to result in a loss or disruption of normal protein function through nonsense-mediated decay (NMD) or protein truncation. Therefore, this variant is classified as likely pathogenic according to the recommendation of ACMG/AMP guideline.

Literature cited by the submitters: PubMed 19466712 (cited by Labcorp Genetics (formerly Invitae), Labcorp); PubMed 24886560 (cited by Labcorp Genetics (formerly Invitae), Labcorp); PubMed 26490104 (cited by Labcorp Genetics (formerly Invitae), Labcorp).

NM_017777.4(MKS1):c.1483C>T (p.Gln495Ter)

Gene: MKS1 (MKS transition zone complex subunit 1; minus strand). Cytogenetic location: 17q22.
Variant type: single nucleotide variant.
Coding change: c.1483C>T on transcript NM_017777.4 (MANE Select); coding-DNA position 1483, C replaced by T.
Protein change: p.Gln495Ter; replaces glutamine 495 with a stop codon.
Molecular consequence: nonsense. On other transcripts: intron variant (2).
Genome position (GRCh38, 1-based): chr17:58,206,472, G>A on the plus strand (C>T on the coding strand, the complement: MKS1 is on the minus strand). VCF-style: chr17-58206472-G-A. GRCh37 (hg19) VCF-style: chr17-56283833-G-A.
Other names: c.874C>T, p.Gln292Ter (NM_001321268.2); c.1274-92C>T (NM_001330397.2); c.1408-92C>T (NM_001321269.2); short protein forms Q292*, Q495*.
Identifiers: ClinVar variation 1687206 (VCV001687206.6), dbSNP rs2143737457, ClinGen allele CA400324634.